The following is an entry in ClinVar:

ClinVar aggregate classification (germline): Uncertain significance (1 of 4 stars; one submission).

Conditions:
Cardiovascular phenotype. Identifiers: MedGen CN230736.

Submission:

Ambry Genetics
Classification: Uncertain significance for Cardiovascular phenotype. Last evaluated: 2024-11-03. Review status: criteria provided, single submitter. Criteria: Ambry Variant Classification Scheme 2023. Collection method: clinical testing. Allele origin: germline.
Comment: The p.E1020K variant (also known as c.3058G>A), located in coding exon 15 of the DSG2 gene, results from a G to A substitution at nucleotide position 3058. The glutamic acid at codon 1020 is replaced by lysine, an amino acid with similar properties. This amino acid position is conserved. In addition, this alteration is predicted to be deleterious by in silico analysis. Based on the available evidence, the clinical significance of this variant remains unclear.

NM_001943.5(DSG2):c.3058G>A (p.Glu1020Lys)

Genes: DSG2 (desmoglein 2; plus strand), DSG2-AS1 (DSG2 antisense RNA 1; minus strand). Cytogenetic location: 18q12.1.
Variant type: single nucleotide variant.
Coding change: c.3058G>A on transcript NM_001943.5 (MANE Select); coding-DNA position 3058, G replaced by A.
Protein change: p.Glu1020Lys; replaces glutamic acid 1020 with lysine.
Molecular consequence: missense variant.
Genome position (GRCh38, 1-based): chr18:31,546,444, G>A. VCF-style: chr18-31546444-G-A. GRCh37 (hg19) VCF-style: chr18-29126407-G-A.
Other names: short protein forms E1020K.
Identifiers: ClinVar variation 3505427 (VCV003505427.1).